The following is an entry in ClinVar:

ClinVar aggregate classification (germline): Likely pathogenic (1 of 4 stars; one submission).

Conditions:
Nemaline myopathy 2 (NEM2). Also called: Nemaline myopathy 2, autosomal recessive. Identifiers: MedGen C1850569, MONDO:0009725, OMIM 256030.

Submission:

Labcorp Genetics (formerly Invitae), Labcorp
Classification: Likely pathogenic for Nemaline myopathy 2. Last evaluated: 2023-04-22. Review status: criteria provided, single submitter. Criteria: Invitae Variant Classification Sherloc (09022015). Collection method: clinical testing. Allele origin: germline.
Comment: In summary, the currently available evidence indicates that the variant is pathogenic, but additional data are needed to prove that conclusively. Therefore, this variant has been classified as Likely Pathogenic. Algorithms developed to predict the effect of sequence changes on RNA splicing suggest that this variant may disrupt the consensus splice site. This variant has not been reported in the literature in individuals affected with NEB-related conditions. This variant is not present in population databases (gnomAD no frequency). This sequence change affects an acceptor splice site in intron 9 of the NEB gene. It is expected to disrupt RNA splicing. Variants that disrupt the donor or acceptor splice site typically lead to a loss of protein function (PMID: 16199547), and loss-of-function variants in NEB are known to be pathogenic (PMID: 25205138).

Literature cited by the submitters: PubMed 16199547; PubMed 25205138.

NM_001164508.2(NEB):c.718-1G>A

Gene: NEB (nebulin; minus strand). Cytogenetic location: 2q23.3.
Variant type: single nucleotide variant.
Coding change: c.718-1G>A on transcript NM_001164508.2 (MANE Select); the canonical splice acceptor site of the intron before coding-DNA position 718, G replaced by A.
Molecular consequence: splice acceptor variant.
Genome position (GRCh38, 1-based): chr2:151,717,521, C>T on the plus strand (G>A on the coding strand, the complement: NEB is on the minus strand). VCF-style: chr2-151717521-C-T. GRCh37 (hg19) VCF-style: chr2-152574035-C-T.
Other names: c.718-1G>A (NM_004543.5, NM_001164507.2, NM_001271208.2).
Identifiers: ClinVar variation 2858111 (VCV002858111.3), dbSNP rs2552278486, ClinGen allele CA348789153.
Genomic context (GRCh38, chr2:151,717,521, plus strand): 5'-AGGATCAGCCAGAGGCGTGAATTGAGCTTGCTGTTCAGCGAGACCTTTTTTGTAGGCAAC[C>T]TGATGAAATAAAAGACAGGGATGTATTTTAAAAACGATTATGCTTTCATCTTTATTTGAA-3'